The following is an entry in ClinVar:

NM_001267550.2(TTN):c.102156G>T (p.Arg34052=)

Genes: TTN (titin; minus strand), TTN-AS1 (TTN antisense RNA 1; plus strand). Cytogenetic location: 2q31.2.
Variant type: single nucleotide variant.
Coding change: c.102156G>T on transcript NM_001267550.2 (MANE Select); coding-DNA position 102156, G replaced by T.
Protein change: p.Arg34052=; no amino-acid change (arginine 34052 retained).
Molecular consequence: synonymous variant.
Genome position (GRCh38, 1-based): chr2:178,534,459, C>A on the plus strand (G>T on the coding strand, the complement: TTN is on the minus strand). VCF-style: chr2-178534459-C-A. GRCh37 (hg19) VCF-style: chr2-179399186-C-A.
Other names: c.97233G>T, p.Arg32411= (NM_001256850.1); c.94452G>T, p.Arg31484= (NM_133378.4); c.102156G>T (NM_001267550.1); c.74961G>T, p.Arg24987= (NM_003319.4); c.75336G>T, p.Arg25112= (NM_133432.3); c.75537G>T, p.Arg25179= (NM_133437.4).
Identifiers: ClinVar variation 47646 (VCV000047646.50), dbSNP rs376894729, ClinGen allele CA141589.

ClinVar aggregate classification (germline): Conflicting classifications of pathogenicity. Review status: criteria provided, conflicting classifications (1 of 4 stars). 13 submissions from 9 submitters: Uncertain significance (4); Benign (1); Likely benign (8). Last evaluated 2026-01-17.

Conditions:
Cardiovascular phenotype. Identifiers: MedGen CN230736.
Dilated cardiomyopathy 1G (CMD1G). Identifiers: Orphanet 154, MedGen C1858763, MONDO:0011400, OMIM 604145.
Autosomal recessive limb-girdle muscular dystrophy type 2J (LGMDR10). Also called: Limb-girdle muscular dystrophy, type 2J; MUSCULAR DYSTROPHY, LIMB-GIRDLE, AUTOSOMAL RECESSIVE 10. Identifiers: Orphanet 140922, MedGen C1837342, MONDO:0012127, OMIM 608807.
Early-onset myopathy with fatal cardiomyopathy (CMYO5). Also called: Salih Myopathy; CONGENITAL MYOPATHY 5 WITH CARDIOMYOPATHY. Identifiers: Orphanet 289377, MedGen C2673677, MONDO:0012714, OMIM 611705. Disease mechanism: loss of function.
Myopathy, myofibrillar, 9, with early respiratory failure (MFM9). Also called: Hereditary myopathy with early respiratory failure; Myopathy, distal, with early respiratory failure, autosomal dominant; EDSTROM MYOPATHY; MYOPATHY, PROXIMAL, WITH EARLY RESPIRATORY MUSCLE INVOLVEMENT. Identifiers: Orphanet 178464, Orphanet 34521, MedGen C1863599, MONDO:0011362, OMIM 603689.
Tibial muscular dystrophy (TMD). Also called: Udd Distal Myopathy – Tibial Muscular Dystrophy; Tibial muscular dystrophy, tardive; UDD MYOPATHY. Identifiers: Orphanet 609, MedGen C1838244, MONDO:0010870, OMIM 600334.

Allele frequency attached by ClinVar (database versions not stated): ExAC 0.00004; gnomAD exomes 0.00006; gnomAD 0.00012; TOPMed 0.00012; ESP Exome Variant Server 0.00017.
gnomAD v4.1: 296 of 1,613,290 alleles (0.018%); highest among the groups gnomAD compares: Non-Finnish European, 0.023%; 1 homozygote.

Submissions (13):

Labcorp Genetics (formerly Invitae), Labcorp
Classification: Likely benign for Dilated cardiomyopathy 1G; Autosomal recessive limb-girdle muscular dystrophy type 2J. Last evaluated: 2026-01-17. Review status: criteria provided, single submitter. Criteria: Invitae Variant Classification Sherloc (09022015). Collection method: clinical testing. Allele origin: germline.

Blueprint Genetics
Classification: Likely benign. Last evaluated: 2024-10-24. Review status: criteria provided, single submitter. Criteria: ACMG Guidelines, 2015. Collection method: clinical testing. Allele origin: germline.

CeGaT Center for Human Genetics Tuebingen
Classification: Likely benign. Last evaluated: 2024-07-01. Review status: criteria provided, single submitter. Criteria: CeGaT Center For Human Genetics Tuebingen Variant Classification Criteria Version 2. Collection method: clinical testing. Allele origin: germline. Affected: yes. Observed: 2 variant alleles.
Comment: TTN: BP4, BP7

Revvity Omics, Revvity
Classification: Uncertain significance. Last evaluated: 2023-10-25. Review status: criteria provided, single submitter. Criteria: ACMG Guidelines, 2015. Collection method: clinical testing. Allele origin: germline.

Athena Diagnostics
Classification: Benign. Last evaluated: 2020-09-21. Review status: criteria provided, single submitter. Criteria: Athena Diagnostics criteria. Collection method: clinical testing. Allele origin: unknown.

Ambry Genetics
Classification: Likely benign for Cardiovascular phenotype. Last evaluated: 2020-03-23. Review status: criteria provided, single submitter. Criteria: Ambry Variant Classification Scheme 2023. Collection method: clinical testing. Allele origin: germline.

GeneDx
Classification: Likely benign. Last evaluated: 2019-06-14. Review status: criteria provided, single submitter. Criteria: GeneDx Variant Classification Process June 2021. Collection method: clinical testing. Allele origin: germline. Affected: yes.

Illumina Laboratory Services, Illumina
Classification: Uncertain significance for Autosomal recessive limb-girdle muscular dystrophy type 2J. Last evaluated: 2018-01-13. Review status: criteria provided, single submitter. Criteria: ICSL Variant Classification Criteria 13 December 2019. Collection method: clinical testing. Allele origin: germline.

Illumina Laboratory Services, Illumina
Classification: Likely benign for Myopathy, myofibrillar, 9, with early respiratory failure. Last evaluated: 2018-01-13. Review status: criteria provided, single submitter. Criteria: ICSL Variant Classification Criteria 13 December 2019. Collection method: clinical testing. Allele origin: germline.
Comment: This variant was observed in the ICSL laboratory as part of a predisposition screen in an ostensibly healthy population. It had not been previously curated by ICSL or reported in the Human Gene Mutation Database (HGMD: prior to June 1st, 2018), and was therefore a candidate for classification through an automated scoring system. Utilizing variant allele frequency, disease prevalence and penetrance estimates, and inheritance mode, an automated score was calculated to assess if this variant is too frequent to cause the disease. Based on the score and internal cut-off values, a variant classified as likely benign is not then subjected to further curation. The score for this variant resulted in a classification of likely benign for this disease.

Illumina Laboratory Services, Illumina
Classification: Uncertain significance for Dilated cardiomyopathy 1G. Last evaluated: 2018-01-13. Review status: criteria provided, single submitter. Criteria: ICSL Variant Classification Criteria 13 December 2019. Collection method: clinical testing. Allele origin: germline.

Illumina Laboratory Services, Illumina
Classification: Uncertain significance for Early-onset myopathy with fatal cardiomyopathy. Last evaluated: 2018-01-13. Review status: criteria provided, single submitter. Criteria: ICSL Variant Classification Criteria 13 December 2019. Collection method: clinical testing. Allele origin: germline.

Illumina Laboratory Services, Illumina
Classification: Likely benign for Tibial muscular dystrophy. Last evaluated: 2018-01-13. Review status: criteria provided, single submitter. Criteria: ICSL Variant Classification Criteria 13 December 2019. Collection method: clinical testing. Allele origin: germline.
Comment: the same text as in the submission from Illumina Laboratory Services, Illumina above.

Laboratory for Molecular Medicine, Mass General Brigham Personalized Medicine
Classification: Likely benign. Last evaluated: 2012-03-19. Review status: criteria provided, single submitter. Criteria: LMM Criteria. Collection method: clinical testing. Allele origin: germline. Observed: 1 variant allele.
Comment: Arg31484Arg in exon 307 of TTN: This variant is not expected to have clinical si gnificance because it does not alter an amino acid residue, and is not located w ithin the splice consensus sequence. It has been identified in 1/6656 European A merican chromosomes from a broad population by the NHLBI Exome Sequencing Projec t. Arg31484Arg in exon 307 of TTN (allele f requency = 1/6656) **